The following is an entry in ClinVar:

NC_000002.11:g.(?_224623432)_(225449726_?)dup

Genes: AP1S3 (adaptor related protein complex 1 subunit sigma 3; minus strand), CUL3 (cullin 3; minus strand), FAM124B (family with sequence similarity 124 member B; minus strand), MRPL44 (mitochondrial ribosomal protein L44; plus strand), SERPINE2 (serpin family E member 2; minus strand) and 1 more. Cytogenetic location: 2q36.1-36.2.
Variant type: Duplication.
Identifiers: ClinVar variation 1434117 (VCV001434117.5).

ClinVar aggregate classification (germline): Uncertain significance (1 of 4 stars; one submission).

Submission:

Labcorp Genetics (formerly Invitae), Labcorp
Classification: Uncertain significance. Last evaluated: 2023-12-11. Review status: criteria provided, single submitter. Criteria: Invitae Variant Classification Sherloc (09022015). Collection method: clinical testing. Allele origin: germline.
Comment: A copy number gain of the genomic region encompassing the full coding sequence of the MRPL44 gene has been identified. The boundaries of this event are unknown as they extend beyond the assayed region for this gene and therefore may encompass additional genes. As the precise location of this event is unknown, it may be in tandem or it may be located elsewhere in the genome. This variant has not been reported in the literature in individuals affected with MRPL44-related conditions. In summary, the available evidence is currently insufficient to determine the role of this variant in disease. Therefore, it has been classified as a Variant of Uncertain Significance.